The following is an entry in ClinVar:

NM_001378328.1(CELSR1):c.1186G>T (p.Ala396Ser)

Gene: CELSR1 (cadherin EGF LAG seven-pass G-type receptor 1; minus strand). Cytogenetic location: 22q13.31.
Variant type: single nucleotide variant.
Coding change: c.1186G>T on transcript NM_001378328.1 (MANE Select); coding-DNA position 1186, G replaced by T.
Protein change: p.Ala396Ser; replaces alanine 396 with serine.
Molecular consequence: missense variant.
Genome position (GRCh38, 1-based): chr22:46,535,985, C>A on the plus strand (G>T on the coding strand, the complement: CELSR1 is on the minus strand). VCF-style: chr22-46535985-C-A. GRCh37 (hg19) VCF-style: chr22-46931882-C-A.
Other names: c.1186G>T, p.Ala396Ser (NM_014246.4); short protein forms A396S.
Identifiers: ClinVar variation 1700874 (VCV001700874.6), dbSNP rs761345110, ClinGen allele CA10295524.
Genomic context (GRCh38, chr22:46,535,985, plus strand): 5'-CCAGCACCGCCCGTGTGCTCACCACGCCAGAGCTCTCGTTGAGCTGGAAGACGTCCCACG[C>A]GCCCCCCAACACGCGGTAACGCAAGTTGGCGTTGATGGGCGAGTCGCGGTCGCTGGCGCG-3'
Protein context (NP_001365257.1, residues 386-406): ANLRYRVLGG[Ala396Ser]WDVFQLNESS

ClinVar aggregate classification (germline): Uncertain significance. Review status: criteria provided, multiple submitters, no conflicts (2 of 4 stars). 2 submissions from 2 submitters: Uncertain significance (2). Last evaluated 2024-06-02.

Allele frequency attached by ClinVar (database versions not stated): TOPMed 0.00003.
gnomAD v4.1: 20 of 1,610,612 alleles (0.0012%); highest among the groups gnomAD compares: Admixed American, 0.033%; no homozygotes.

Submissions (2):

GeneDx
Classification: Uncertain significance. Last evaluated: 2024-06-02. Review status: criteria provided, single submitter. Criteria: GeneDx Variant Classification Process June 2021. Collection method: clinical testing. Allele origin: germline. Affected: yes.
Comment: In silico analysis supports that this missense variant does not alter protein structure/function; Has not been previously published as pathogenic or benign to our knowledge

Ambry Genetics
Classification: Uncertain significance. Last evaluated: 2022-08-02. Review status: criteria provided, single submitter. Criteria: Ambry Variant Classification Scheme 2023. Collection method: clinical testing. Allele origin: germline.